The following is an entry in ClinVar:

NM_213599.3(ANO5):c.2273_2280dup (p.Tyr761delinsValTer)

Gene: ANO5 (anoctamin 5; plus strand). Cytogenetic location: 11p14.3.
Variant type: Duplication.
Coding change: c.2273_2280dup on transcript NM_213599.3 (MANE Select); coding-DNA positions 2273 to 2280, 8 bases duplicated (GTCTAGTT; older notation c.2273_2280dupGTCTAGTT).
Protein change: p.Tyr761delinsValTer.
Molecular consequence: nonsense.
Genome position (GRCh38, 1-based): chr11:22,274,606-22,274,613, GTCTAGTT duplicated. VCF-style (leftmost placement, unchanged base first): chr11-22274605-C-CGTCTAGTT. GRCh37 (hg19) VCF-style: chr11-22296151-C-CGTCTAGTT.
Other names: c.2270_2277dup, p.Tyr760delinsValTer (NM_001142649.2); c.2231_2238dup, p.Tyr747delinsValTer (NM_001410963.1); c.2228_2235dup, p.Tyr746delinsValTer (NM_001410964.1).
Identifiers: ClinVar variation 2943429 (VCV002943429.3), dbSNP rs2494386440, ClinGen allele CA2740093660.

ClinVar aggregate classification (germline): Pathogenic (1 of 4 stars; one submission).

Conditions:
Gnathodiaphyseal dysplasia (GDD). Also called: GNATHODIAPHYSEAL SCLEROSIS; OSTEOGENESIS IMPERFECTA WITH UNUSUAL SKELETAL LESIONS. Identifiers: Orphanet 53697, MedGen C1833736, MONDO:0008151, OMIM 166260.
Autosomal recessive limb-girdle muscular dystrophy type 2L (LGMDR12). Also called: Limb-girdle muscular dystrophy, type 2L; MUSCULAR DYSTROPHY, LIMB-GIRDLE, AUTOSOMAL RECESSIVE 12; Limb-Girdle Muscular Dystrophy R12 Anoctamin-5-Related (LGMD-R12). Identifiers: Orphanet 206549, MedGen C1969785, MONDO:0012652, OMIM 611307.

Submission:

Labcorp Genetics (formerly Invitae), Labcorp
Classification: Pathogenic for Autosomal recessive limb-girdle muscular dystrophy type 2L; Gnathodiaphyseal dysplasia. Last evaluated: 2023-01-19. Review status: criteria provided, single submitter. Criteria: Invitae Variant Classification Sherloc (09022015). Collection method: clinical testing. Allele origin: germline.
Comment: For these reasons, this variant has been classified as Pathogenic. This variant has not been reported in the literature in individuals affected with ANO5-related conditions. This variant is not present in population databases (gnomAD no frequency). This sequence change creates a premature translational stop signal (p.Tyr761Valfs*2) in the ANO5 gene. It is expected to result in an absent or disrupted protein product. Loss-of-function variants in ANO5 are known to be pathogenic (PMID: 21186264, 23606453, 25891276, 30919934).

Literature cited by the submitters: PubMed 21186264; PubMed 23606453; PubMed 25891276; PubMed 30919934.